The following is an entry in ClinVar:

ClinVar aggregate classification (germline): Uncertain significance (1 of 4 stars; one submission).

Conditions:
Common variable immunodeficiency (CVID). Also called: Common variable hypogamma-globulinemia; Common variable agammaglobulinemia. Identifiers: Orphanet 1572, MedGen C0009447, MONDO:0015517.

Submission:

Labcorp Genetics (formerly Invitae), Labcorp
Classification: Uncertain significance for Common variable immunodeficiency. Last evaluated: 2024-11-06. Review status: criteria provided, single submitter. Criteria: Invitae Variant Classification Sherloc (09022015). Collection method: clinical testing. Allele origin: germline.
Comment: This sequence change falls in intron 5 of the TNFSF12 gene. It does not directly change the encoded amino acid sequence of the TNFSF12 protein. It affects a nucleotide within the consensus splice site. This variant is not present in population databases (gnomAD no frequency). This variant has not been reported in the literature in individuals affected with TNFSF12-related conditions. Variants that disrupt the consensus splice site are a relatively common cause of aberrant splicing (PMID: 17576681, 9536098). Algorithms developed to predict the effect of sequence changes on RNA splicing suggest that this variant may disrupt the consensus splice site. In summary, the available evidence is currently insufficient to determine the role of this variant in disease. Therefore, it has been classified as a Variant of Uncertain Significance.

Literature cited by the submitters: PubMed 17576681; PubMed 9536098.

NM_003809.3(TNFSF12):c.374-3C>G

Genes: TNFSF12 (TNF superfamily member 12; plus strand), TNFSF12-TNFSF13 (TNFSF12-TNFSF13 readthrough; plus strand). Cytogenetic location: 17p13.1.
Variant type: single nucleotide variant.
Coding change: c.374-3C>G on transcript NM_003809.3 (MANE Select); 3 bases into the intron before coding-DNA position 374, C replaced by G.
Molecular consequence: intron variant.
Genome position (GRCh38, 1-based): chr17:7,556,775, C>G. VCF-style: chr17-7556775-C-G. GRCh37 (hg19) VCF-style: chr17-7460092-C-G.
Other names: c.374-3C>G (NM_172089.4).
Identifiers: ClinVar variation 3630182 (VCV003630182.2).
Genomic context (GRCh38, chr17:7,556,775, plus strand): 5'-CCTGGGGAGTGTGGGGGAGTCCTGTAGAGAGACGTTTCCTTATCTCTGAGCATCCGTGTT[C>G]AGGTGTGGACGGGACAGTGAGTGGCTGGGAGGAAGCCAGAATCAACAGCTCCAGCCCTCT-3'